The following is an entry in ClinVar:

NM_001146312.3(MYOCD):c.1966A>C (p.Asn656His)

Gene: MYOCD (myocardin; plus strand). Cytogenetic location: 17p12.
Variant type: single nucleotide variant.
Coding change: c.1966A>C on transcript NM_001146312.3 (MANE Select); coding-DNA position 1966, A replaced by C.
Protein change: p.Asn656His; replaces asparagine 656 with histidine.
Molecular consequence: missense variant.
Genome position (GRCh38, 1-based): chr17:12,753,254, A>C. VCF-style: chr17-12753254-A-C. GRCh37 (hg19) VCF-style: chr17-12656571-A-C.
Other names: c.1729A>C, p.Asn577His (NM_001378306.1); c.1966A>C, p.Asn656His (NM_153604.4); short protein forms N577H, N656H.
Identifiers: ClinVar variation 2411041 (VCV002411041.10), dbSNP rs201621132, ClinGen allele CA8399731.

ClinVar aggregate classification (germline): Conflicting classifications of pathogenicity. Review status: criteria provided, conflicting classifications (1 of 4 stars). 2 submissions from 2 submitters: Uncertain significance (1); Likely benign (1). Last evaluated 2025-03-01.

Allele frequency attached by ClinVar (database versions not stated): ExAC 0.00009; TOPMed 0.00013; gnomAD exomes 0.00015; gnomAD 0.00019; ESP Exome Variant Server 0.00023.
gnomAD v4.1: 240 of 1,614,058 alleles (0.015%); highest among the groups gnomAD compares: Non-Finnish European, 0.019%; no homozygotes.

Submissions (2):

CeGaT Center for Human Genetics Tuebingen
Classification: Likely benign. Last evaluated: 2025-03-01. Review status: criteria provided, single submitter. Criteria: CeGaT Center For Human Genetics Tuebingen Variant Classification Criteria Version 2. Collection method: clinical testing. Allele origin: germline. Affected: yes. Observed: 1 variant allele.
Comment: MYOCD: BP4, BS2

Ambry Genetics
Classification: Uncertain significance. Last evaluated: 2025-01-07. Review status: criteria provided, single submitter. Criteria: Ambry Variant Classification Scheme 2023. Collection method: clinical testing. Allele origin: germline.